The following is an entry in ClinVar:

NM_000125.4(ESR1):c.296C>A (p.Pro99Gln)

Gene: ESR1 (estrogen receptor 1; plus strand). Cytogenetic location: 6q25.1.
Variant type: single nucleotide variant.
Coding change: c.296C>A on transcript NM_000125.4 (MANE Select); coding-DNA position 296, C replaced by A.
Protein change: p.Pro99Gln; replaces proline 99 with glutamine.
Molecular consequence: missense variant.
Genome position (GRCh38, 1-based): chr6:151,808,208, C>A. VCF-style: chr6-151808208-C-A. GRCh37 (hg19) VCF-style: chr6-152129343-C-A.
Other names: c.296C>A, p.Pro99Gln (NM_001122740.2, NM_001122741.2, NM_001122742.2 and 7 more transcripts); c.296C>A (NM_000125.3); short protein forms P99Q.
Identifiers: ClinVar variation 1049889 (VCV001049889.2), dbSNP rs773500294, ClinGen allele CA4052141.

ClinVar aggregate classification (germline): Uncertain significance. Review status: criteria provided, single submitter (1 of 4 stars). 2 submissions from 2 submitters: Uncertain significance (1). 1 of the submissions does not count toward it. Last evaluated 2025-08-11.

Allele frequency attached by ClinVar (database versions not stated): gnomAD 0.00001; TOPMed 0.00003.
gnomAD v4.1: 12 of 1,572,808 alleles (0.00076%); highest among the groups gnomAD compares: Admixed American, 0.017%; no homozygotes.

Submissions (2):

Ambry Genetics
Classification: Uncertain significance. Last evaluated: 2025-08-11. Review status: criteria provided, single submitter. Criteria: Ambry Variant Classification Scheme 2023. Collection method: clinical testing. Allele origin: germline.

Department of Pathology and Laboratory Medicine, Sinai Health System
Classification: Uncertain significance. Review status: no assertion criteria provided. Collection method: clinical testing. Allele origin: unknown. Affected: yes. Study: The Canadian Open Genetics Repository (COGR). Not counted in ClinVar's aggregate classification.
Comment: The ESR1 p.Pro99Gln variant was not identified in the literature nor was it identified in ClinVar, Cosmic or LOVD 3.0. The variant was identified in dbSNP (ID: rs773500294) and in control databases in 4 of 177106 chromosomes at a frequency of 0.000023 (Genome Aggregation Database Feb 27, 2017). The variant was observed in the following population: Latino in 4 of 27590 chromosomes (freq: 0.000145); it was not observed in the African, Ashkenazi Jewish, East Asian, European (Finnish), European (non-Finnish), Other, and South Asian populations. The p.Pro99 residue is not conserved in mammals and four out of five computational analyses (PolyPhen-2, SIFT, AlignGVGD, MutationTaster) do not suggest a high likelihood of impact to the protein; however, this information is not predictive enough to rule out pathogenicity. The variant occurs outside of the splicing consensus sequence and in silico or computational prediction software programs (SpliceSiteFinder, MaxEntScan, NNSPLICE, GeneSplicer) do not predict a difference in splicing at the variant location. In summary, based on the above information the clinical significance of this variant cannot be determined with certainty at this time. This variant is classified as a variant of uncertain significance.